The following is an entry in ClinVar:

ClinVar aggregate classification (germline): Uncertain significance. Review status: criteria provided, multiple submitters, no conflicts (2 of 4 stars). 2 submissions from 2 submitters: Uncertain significance (2). Last evaluated 2025-11-21.

Conditions:
Inborn genetic diseases. Identifiers: MedGen C0950123, MeSH D030342.

gnomAD v4.1: 314 of 1,612,634 alleles (0.019%); highest among the groups gnomAD compares: South Asian, 0.099%; 1 homozygote.

Submissions (2):

Labcorp Genetics (formerly Invitae), Labcorp
Classification: Uncertain significance. Last evaluated: 2025-11-21. Review status: criteria provided, single submitter. Criteria: Invitae Variant Classification Sherloc (09022015). Collection method: clinical testing. Allele origin: germline.
Comment: This sequence change replaces leucine, which is neutral and non-polar, with valine, which is neutral and non-polar, at codon 1293 of the FOCAD protein (p.Leu1293Val). This variant is present in population databases (rs200999259, gnomAD 0.1%), and has an allele count higher than expected for a pathogenic variant. This variant has not been reported in the literature in individuals affected with FOCAD-related conditions. ClinVar contains an entry for this variant (Variation ID: 3516487). Experimental studies and prediction algorithms are not available or were not evaluated, and the functional significance of this variant is currently unknown. In summary, the available evidence is currently insufficient to determine the role of this variant in disease. Therefore, it has been classified as a Variant of Uncertain Significance.

Ambry Genetics
Classification: Uncertain significance for Inborn genetic diseases. Last evaluated: 2024-12-01. Review status: criteria provided, single submitter. Criteria: Ambry Variant Classification Scheme 2023. Collection method: clinical testing. Allele origin: germline.

NM_001375567.1(FOCAD):c.3877C>G (p.Leu1293Val)

Gene: FOCAD (focadhesin; plus strand). Cytogenetic location: 9p21.3.
Variant type: single nucleotide variant.
Coding change: c.3877C>G on transcript NM_001375567.1 (MANE Select); coding-DNA position 3877, C replaced by G.
Protein change: p.Leu1293Val; replaces leucine 1293 with valine.
Molecular consequence: missense variant.
Genome position (GRCh38, 1-based): chr9:20,949,604, C>G. VCF-style: chr9-20949604-C-G. GRCh37 (hg19) VCF-style: chr9-20949603-C-G.
Other names: c.3772C>G, p.Leu1258Val (NM_001375568.1, NM_001375570.1); c.3877C>G, p.Leu1293Val (NM_017794.5); short protein forms L1258V, L1293V.
Identifiers: ClinVar variation 3516487 (VCV003516487.3).
Genomic context (GRCh38, chr9:20,949,604, plus strand): 5'-TATAACTCTTAACTTTTTTATGGGGGTGGGTGGGATGGGTATTTCTTCTTATTCTTTCAG[C>G]TGAAATCAGAAGCCATCCAGACCTCTCATTTTCAAGGCAGACTTAATGAAGTCATTAGAA-3'
Protein context (NP_001362496.1, residues 1283-1303): LVGSEGDVMQ[Leu1293Val]KSEAIQTSHF